The following is an entry in ClinVar:

NM_001103.4(ACTN2):c.1993A>G (p.Ile665Val)

Gene: ACTN2 (actinin alpha 2; plus strand). Cytogenetic location: 1q43.
Variant type: single nucleotide variant.
Coding change: c.1993A>G on transcript NM_001103.4 (MANE Select); coding-DNA position 1993, A replaced by G.
Protein change: p.Ile665Val; replaces isoleucine 665 with valine.
Molecular consequence: missense variant. On other transcripts: non-coding transcript variant (1).
Genome position (GRCh38, 1-based): chr1:236,755,037, A>G. VCF-style: chr1-236755037-A-G. GRCh37 (hg19) VCF-style: chr1-236918337-A-G.
Other names: c.1993A>G, p.Ile665Val (NM_001278343.2); short protein forms I665V.
Identifiers: ClinVar variation 4222023 (VCV004222023.1).
Genomic context (GRCh38, chr1:236,755,037, plus strand): 5'-TCACTCTGCTTCTCTCTCTGCTTGCTCACTCGCCCCCCTCAGGAGATTGCCCGGAGCTCC[A>G]TCCAGATCACAGGAGCCCTGGAAGACCAGATGAACCAGCTGAAGCAGTATGAGCACAACA-3'
Protein context (NP_001094.1, residues 655-675): NKMEEIARSS[Ile665Val]QITGALEDQM

ClinVar aggregate classification (germline): Uncertain significance (1 of 4 stars; one submission).

Conditions:
Cardiovascular phenotype. Identifiers: MedGen CN230736.

Submission:

Ambry Genetics
Classification: Uncertain significance for Cardiovascular phenotype. Last evaluated: 2025-08-28. Review status: criteria provided, single submitter. Criteria: Ambry Variant Classification Scheme 2023. Collection method: clinical testing. Allele origin: germline.
Comment: The p.I665V variant (also known as c.1993A>G), located in coding exon 17 of the ACTN2 gene, results from an A to G substitution at nucleotide position 1993. The isoleucine at codon 665 is replaced by valine, an amino acid with highly similar properties. This amino acid position is conserved. In addition, this alteration is predicted to be tolerated by in silico analysis. Based on the available evidence, the clinical significance of this variant remains unclear.